The following continues an entry in ClinVar:

NM_000518.5(HBB):c.79G>A (p.Glu27Lys)

ClinVar aggregate classification (germline): Pathogenic. Pathogenic (38).

Submissions 9 to 23 of 45:

ARUP Laboratories, Molecular Genetics and Genomics, ARUP Laboratories
Classification: Pathogenic. Last evaluated: 2025-07-31. Review status: criteria provided, single submitter. Criteria: ARUP Molecular Germline Variant Investigation Process 2024. Collection method: clinical testing. Allele origin: germline.
Comment: The Hb E variant (HBB: c.79G>A; p.Glu27Lys, also known as Glu26Lys when numbered from the mature protein, rs33950507, HbVar ID: 277) is a common pathogenic beta globin variant. Functional characterization of the variant indicates aberrant splicing of the beta globin mRNA, leading to reduced mature protein (Orkin 1982). Heterozygous Hb E is a clinically benign condition associated with mild microcytosis and target cells without anemia. Homozygous Hb E is usually a clinically benign condition but can be associated with mild anemia and microcytosis. Hb E in combination with a different pathogenic HBB variant on the opposite chromosome can produce a range of clinical phenotypes (Vichinsky 2007, HbVar database and references therein). REFERENCES Link to HbVar database: Orkin S et al. Abnormal RNA processing due to the exon mutation of beta E-globin gene. Nature. 1982; 300(5894):768-9. PMID: 7177196. Vichinsky E Hemoglobin e syndromes. Hematology Am Soc Hematol Educ Program. 2007:79-83. PMID: 18024613.

Greenwood Genetic Center Diagnostic Laboratories, Greenwood Genetic Center
Classification: Pathogenic for Beta-thalassemia HBB/LCRB. Last evaluated: 2025-04-24. Review status: criteria provided, single submitter. Criteria: ACMG Guidelines, 2015. Collection method: clinical testing. Allele origin: germline. Affected: yes.
Comment: PVS1, PM3, PM5

First Genomix Gene Laboratory, Genetic Diagnostics Department
Classification: Pathogenic for Beta-thalassemia HBB/LCRB. Last evaluated: 2025-01-17. Review status: criteria provided, single submitter. Criteria: ACMG Guidelines, 2015. Collection method: clinical testing. Allele origin: germline. Inheritance: Autosomal recessive inheritance. Affected: no. Observed: 1 variant allele.

Revvity Omics, Revvity
Classification: Pathogenic. Last evaluated: 2025-01-10. Review status: criteria provided, single submitter. Criteria: ACMG Guidelines, 2015. Collection method: clinical testing. Allele origin: germline.

Blueprint Genetics
Classification: Pathogenic for HBB-related disorders. Last evaluated: 2024-11-18. Review status: criteria provided, single submitter. Criteria: ACMG Guidelines, 2015. Collection method: clinical testing. Allele origin: de novo. Affected: yes. Observed: 5 variant alleles.

Centre for Clinical Genetics and Genomic Diagnostics, Zealand University Hospital
Classification: Pathogenic. Last evaluated: 2024-06-25. Review status: criteria provided, single submitter. Criteria: ACMG Guidelines, 2015. Collection method: clinical testing. Allele origin: germline. Affected: no.

Fulgent Genetics
Classification: Pathogenic for Heinz body anemia; Hereditary persistence of fetal hemoglobin; Dominant beta-thalassemia; Hb SS disease; Malaria, susceptibility to; Beta-thalassemia HBB/LCRB; METHEMOGLOBINEMIA, BETA TYPE; Erythrocytosis, familial, 6. Last evaluated: 2024-04-13. Review status: criteria provided, single submitter. Criteria: ACMG Guidelines, 2015. Collection method: clinical testing. Allele origin: germline.

Genomic Medicine Center of Excellence, King Faisal Specialist Hospital and Research Centre
Classification: Pathogenic for Malaria, susceptibility to. Last evaluated: 2024-03-29. Review status: criteria provided, single submitter. Criteria: ACMG Guidelines, 2015. Collection method: clinical testing. Allele origin: germline.

Women's Health and Genetics/Laboratory Corporation of America, LabCorp
Classification: Pathogenic for Beta-thalassemia HBB/LCRB. Last evaluated: 2024-01-05. Review status: criteria provided, single submitter. Criteria: LabCorp Variant Classification Summary - May 2015. Collection method: clinical testing. Allele origin: germline.
Comment: Variant summary: HBB c.79G>A (p.Glu27Lys), also known as Hb E, results in a conservative amino acid change in the encoded protein sequence. Three of five in-silico tools predict a damaging effect of the variant on protein function. Several computational tools predict a significant impact on normal splicing: three predict the variant strengthens a cryptic 5' donor site. At least one publication reports experimental evidence that this variant affects mRNA splicing, finding that only 5-8% of mRNA is correctly spliced due to the creation of a cryptic splice donor site, leading to the loss of the last 16 bases of the exon (e.g., Chen_2012). The variant allele was found at a frequency of 0.00025 in 251352 control chromosomes in the gnomAD database, including 1 homozygotes, but c.79G>A is a known, common disease variant. This variant has been reported in the homozygous state in numerous patients in the literature (e.g., Pakdee_2014, Sanchaisuriya_2006). Hb E homozygosity results in a mild beta-globin chain deficit which is comparable to that seen in beta0-thal heterozygotes, and homozygotes typically have mild hemolytic anemia and mild enlargement of the spleen. However, compound heterozygotes for hemoglobin E/-thalassemia are often severely affected. Conditions in which there is a considerable production of Hb A are milder than those without Hb A. These data indicate that the variant is very likely to be associated with disease. At least one publication reports experimental evidence evaluating an impact on protein function, finding that the variant results in increased reactive oxygen species as well as mild oxidative stress (e.g., Chen_2012). The following publications have been ascertained in the context of this evaluation (PMID: 22260787, 24581976, 16750922). ClinVar contains an entry for this variant (Variation ID: 15161). Based on the evidence outlined above, the variant was classified as pathogenic.

Department of Pathology and Laboratory Medicine, Sinai Health System
Classification: Pathogenic for Heinz body anemia; Dominant beta-thalassemia; alpha Thalassemia; Hb SS disease; Beta-thalassemia HBB/LCRB. Last evaluated: 2023-09-25. Review status: criteria provided, single submitter. Criteria: ACMG Guidelines, 2015. Collection method: research. Allele origin: germline.

GeneDx
Classification: Pathogenic. Last evaluated: 2023-09-07. Review status: criteria provided, single submitter. Criteria: GeneDx Variant Classification Process June 2021. Collection method: clinical testing. Allele origin: germline. Affected: yes.
Comment: Published functional RNA studies demonstrate that this variant is associated with slow excision of intron 1 and alternative splicing into exon 1 (Orkin et al., 1982); In silico analysis supports that this missense variant has a deleterious effect on protein structure/function; In silico analysis supports a deleterious effect on splicing; This variant is associated with the following publications: (PMID: 25370867, 12144064, 15481886, 22975760, 18024613, 6166632, 24123366, 6198908, 3728469, 29669226, 22028795, 22260787, 7177196, 26554862, 12149194, 24368026, 17278112, 27834070, 9140717, 7583766, 31553106, 1878422, 31980526, 30275481, 31589614, 10870880, 31890591, 8629114, 28674233, 34794358, 33092414, 29251006, 28671035, 35047849, 21732929)

Victorian Clinical Genetics Services, Murdoch Childrens Research Institute
Classification: Pathogenic for Hemoglobin E disease. Last evaluated: 2023-07-16. Review status: criteria provided, single submitter. Criteria: ACMG Guidelines, 2015. Collection method: clinical testing. Allele origin: germline.
Comment: Based on the classification scheme VCGS_Germline_v1.3.4, this variant is classified as Pathogenic. 0102 - Loss of function is a known mechanism of disease in this gene and is associated with HBB-related hemoglobinopathies, including beta thalassemia (OMIM). Dominant negative is also a suggested mechanism (PMID: 29700171). (I) 0108 - This gene is associated with both recessive and dominant disease. (I) 0115 - Variants in this gene are known to have variable expressivity. Variable severity has been reported in sickle cell patients carrying the same variants (PMID: 31788855). In addition, clinical severity of beta-thalassemia patients is also dependent on whether variants in HBB are heterozygous, homozygous or compound heterozygous, and the amount of residual protein that is expressed (GeneReviews). (I) 0200 - Variant is predicted to result in a missense amino acid change from glutamic acid to lysine. (I) 0251 - This variant is heterozygous. (I) 0304 - Variant is present in gnomAD <0.01 (v2: 64 heterozygotes, 1 homozygote). (SP) 0501 - Missense variant consistently predicted to be damaging by multiple in silico tools or highly conserved with a major amino acid change. (SP) 0600 - Variant is located in the annotated globin domain (DECIPHER). (I) 0801 - This variant has strong previous evidence of pathogenicity in unrelated individuals. Also known as p.(Glu26Lys) and the HbE variant, it has been identified in at least ten patients and is known as a pathogenic structural variant. (GeneReviews; ClinVar, PMID: 28546763). (SP) 1208 - Inheritance information for this variant is not currently available in this individual. (I) Legend: (SP) - Supporting pathogenic, (I) - Information, (SB) - Supporting benign

Laboratory for Molecular Medicine, Mass General Brigham Personalized Medicine
Classification: Pathogenic for beta Thalassemia. Last evaluated: 2022-11-03. Review status: criteria provided, single submitter. Criteria: ACMG Guidelines, 2015. Collection method: clinical testing. Allele origin: germline.
Comment: The p.Glu27Lys variant in HBB, also known as p.Glu26Lys and the cause of hemoglobine E disease, has been reported in numerous individuals in the heterozygous (asymptomatic), homozygous (asymptomatic to mild to moderate hemolytic microcytic anemia with or without hepatosplenomegaly and jaundice) and in the compound heterozygous state with another pathogenic variant for beta-thalassemia (phenotypes ranging from mild to moderate beta-thalassemia (Orkin 1982 PMID: 7177196, Tubsuwan 2011 PMID: 21732929, Prajantasen 2014 PMID: 25370867, Jayasree 2016 PMID: 26554862). It has been reported in ClinVar (Variation ID 15161) and it has been identified in 41/4836 South Asian chromosomes by gnomAD. In vitro functional studies showed that this variant produces both a structurally abnormal Hb and creates a cryptic 5' splice site that causes abnormal mRNA splicing; in addition transgenic mice exclusively expressing human p.Glu27Lys had red blood cell mild oxidative stress arising in part from the molecular consequences of the p.Glu27Lys variant (Chen 2012 PMID: 22260787). In summary, this variant meets criteria to be classified as pathogenic for autosomal recessive beta thalassemia. ACMG/AMP Criteria applied: PM3_very Strong, PS3_Strong.

Mendelics
Classification: Pathogenic. Last evaluated: 2022-08-08. Review status: criteria provided, single submitter. Criteria: Mendelics Assertion Criteria 2019. Collection method: clinical testing. Allele origin: germline.

MGZ Medical Genetics Center
Classification: Pathogenic for Beta-thalassemia HBB/LCRB. Last evaluated: 2022-03-29. Review status: criteria provided, single submitter. Criteria: ACMG Guidelines, 2015. Collection method: clinical testing. Allele origin: germline. Affected: yes. Observed: 2 variant alleles.
Comment: ACMG criteria applied: PS4, PM3, PM5, PM2_SUP, PP3